The following is an entry in ClinVar:

ClinVar aggregate classification (germline): Conflicting classifications of pathogenicity. Review status: criteria provided, conflicting classifications (1 of 4 stars). 10 submissions from 10 submitters: Uncertain significance (1); Benign (2); Likely benign (7). Last evaluated 2026-01-27.

Conditions:
Medulloblastoma (MDB). Also called: MEDULLOBLASTOMA PREDISPOSITION SYNDROME; Medulloblastoma, somatic. Identifiers: Orphanet 616, MedGen C0025149, MeSH D008527, MONDO:0007959, OMIM 155255, HP:0002885.
Gorlin syndrome. Also called: Nevoid Basal Cell Carcinoma Syndrome; Basal cell nevus syndrome. Identifiers: Orphanet 377, MedGen C0004779, MONDO:0007187.
Hereditary cancer-predisposing syndrome. Also called: Tumor predisposition; Hereditary Cancer Syndrome; Neoplastic Syndromes, Hereditary; Hereditary neoplastic syndrome. Identifiers: Orphanet 140162, MedGen C0027672, MeSH D009386, MONDO:0015356.
SUFU-related disorder. Also called: SUFU-related disorders; SUFU-related condition.

Allele frequency attached by ClinVar (database versions not stated): 1000 Genomes Project 30x 0.00016; TOPMed 0.00020; gnomAD 0.00021; ExAC 0.00025; gnomAD exomes 0.00030.
gnomAD v4.1: 146 of 1,543,876 alleles (0.0095%); highest among the groups gnomAD compares: Admixed American, 0.073%; 1 homozygote.

Submissions (10):

Labcorp Genetics (formerly Invitae), Labcorp
Classification: Benign for Gorlin syndrome; Medulloblastoma. Last evaluated: 2026-01-27. Review status: criteria provided, single submitter. Criteria: Invitae Variant Classification Sherloc (09022015). Collection method: clinical testing. Allele origin: germline.

Center for Genomic Medicine, Rigshospitalet, Copenhagen University Hospital
Classification: Likely benign. Last evaluated: 2025-12-29. Review status: criteria provided, single submitter. Criteria: ACMG Guidelines, 2015. Collection method: clinical testing. Allele origin: germline.

CeGaT Center for Human Genetics Tuebingen
Classification: Likely benign. Last evaluated: 2025-09-01. Review status: criteria provided, single submitter. Criteria: CeGaT Center For Human Genetics Tuebingen Variant Classification Criteria Version 2. Collection method: clinical testing. Allele origin: germline. Affected: yes. Observed: 5 variant alleles.
Comment: SUFU: BP4, BP7

PreventionGenetics, part of Exact Sciences
Classification: Likely benign for SUFU-related condition. Last evaluated: 2025-03-10. Review status: criteria provided, single submitter. Criteria: ACMG Guidelines, 2015. Collection method: clinical testing. Allele origin: germline.
Comment: This variant is classified as likely benign based on ACMG/AMP sequence variant interpretation guidelines (Richards et al. 2015 PMID: 25741868, with internal and published modifications).

Blueprint Genetics
Classification: Likely benign. Last evaluated: 2024-11-11. Review status: criteria provided, single submitter. Criteria: ACMG Guidelines, 2015. Collection method: clinical testing. Allele origin: germline.

Quest Diagnostics Nichols Institute San Juan Capistrano
Classification: Benign. Last evaluated: 2023-04-24. Review status: criteria provided, single submitter. Criteria: Quest Diagnostics criteria. Collection method: clinical testing. Allele origin: unknown.

Sema4
Classification: Likely benign for Hereditary cancer-predisposing syndrome. Last evaluated: 2021-11-02. Review status: criteria provided, single submitter. Criteria: Sema4 Curation Guidelines. Collection method: curation. Allele origin: germline.

Illumina Laboratory Services, Illumina
Classification: Uncertain significance for Medulloblastoma. Last evaluated: 2018-03-23. Review status: criteria provided, single submitter. Criteria: ICSL Variant Classification Criteria 13 December 2019. Collection method: clinical testing. Allele origin: germline.

GeneDx
Classification: Likely benign. Last evaluated: 2017-11-30. Review status: criteria provided, single submitter. Criteria: GeneDx Variant Classification (06012015). Collection method: clinical testing. Allele origin: germline. Affected: yes.
Comment: This variant is considered likely benign or benign based on one or more of the following criteria: it is a conservative change, it occurs at a poorly conserved position in the protein, it is predicted to be benign by multiple in silico algorithms, and/or has population frequency not consistent with disease.

Ambry Genetics
Classification: Likely benign for Hereditary cancer-predisposing syndrome. Last evaluated: 2017-03-16. Review status: criteria provided, single submitter. Criteria: Ambry Variant Classification Scheme 2023. Collection method: clinical testing. Allele origin: germline.

NM_016169.4(SUFU):c.6G>T (p.Ala2=)

Genes: SUFU (SUFU negative regulator of hedgehog signaling; plus strand), LOC130004614 (ATAC-STARR-seq lymphoblastoid silent region 2764; plus strand). Cytogenetic location: 10q24.32.
Variant type: single nucleotide variant.
Coding change: c.6G>T on transcript NM_016169.4 (MANE Select); coding-DNA position 6, G replaced by T.
Protein change: p.Ala2=; no amino-acid change (alanine 2 retained).
Molecular consequence: synonymous variant.
Genome position (GRCh38, 1-based): chr10:102,504,158, G>T. VCF-style: chr10-102504158-G-T. GRCh37 (hg19) VCF-style: chr10-104263915-G-T.
Other names: c.6G>T, p.Ala2= (NM_001178133.2).
Identifiers: ClinVar variation 241088 (VCV000241088.47), dbSNP rs746555296, ClinGen allele CA5667573.